The following is an entry in ClinVar:

NM_001958.5(EEF1A2):c.1345G>A (p.Gly449Ser)

Gene: EEF1A2 (eukaryotic translation elongation factor 1 alpha 2; minus strand). Cytogenetic location: 20q13.33.
Variant type: single nucleotide variant.
Coding change: c.1345G>A on transcript NM_001958.5 (MANE Select); coding-DNA position 1345, G replaced by A.
Protein change: p.Gly449Ser; replaces glycine 449 with serine.
Molecular consequence: missense variant.
Genome position (GRCh38, 1-based): chr20:63,488,345, C>T on the plus strand (G>A on the coding strand, the complement: EEF1A2 is on the minus strand). VCF-style: chr20-63488345-C-T. GRCh37 (hg19) VCF-style: chr20-62119698-C-T.
Other names: short protein forms G449S.
Identifiers: ClinVar variation 1015458 (VCV001015458.13), dbSNP rs2082362096, ClinGen allele CA409643172.

ClinVar aggregate classification (germline): Uncertain significance. Review status: criteria provided, multiple submitters, no conflicts (2 of 4 stars). 3 submissions from 3 submitters: Uncertain significance (3). Last evaluated 2022-05-26.

Conditions:
Intellectual developmental disorder, autosomal dominant 38. Also called: Intellectual disability, autosomal dominant 38; PSYCHOMOTOR RETARDATION, EPILEPSY, AND LANGUAGE DISABILITY SYNDROME. Identifiers: MedGen C4225343, MONDO:0014617, OMIM 616393.
Developmental and epileptic encephalopathy, 33 (DEE33). Also called: Epileptic encephalopathy, early infantile, 33. Identifiers: Orphanet 442835, MedGen C4225337, MONDO:0014625, OMIM 616409.

Allele frequency attached by ClinVar (database versions not stated): gnomAD exomes below 0.00001.
gnomAD v4.1: 3 of 1,468,340 alleles (0.0002%); highest among the groups gnomAD compares: Non-Finnish European, 0.00027%; no homozygotes.

Submissions (3):

GeneDx
Classification: Uncertain significance. Last evaluated: 2022-05-26. Review status: criteria provided, single submitter. Criteria: GeneDx Variant Classification Process June 2021. Collection method: clinical testing. Allele origin: germline. Affected: yes.
Comment: Not observed at significant frequency in large population cohorts (gnomAD); In silico analysis supports that this missense variant does not alter protein structure/function; Has not been previously published as pathogenic or benign to our knowledge

Fulgent Genetics
Classification: Uncertain significance for Intellectual developmental disorder, autosomal dominant 38; Developmental and epileptic encephalopathy, 33. Last evaluated: 2022-02-08. Review status: criteria provided, single submitter. Criteria: ACMG Guidelines, 2015. Collection method: clinical testing. Allele origin: unknown.

Labcorp Genetics (formerly Invitae), Labcorp
Classification: Uncertain significance for Developmental and epileptic encephalopathy, 33. Last evaluated: 2020-02-21. Review status: criteria provided, single submitter. Criteria: Invitae Variant Classification Sherloc (09022015). Collection method: clinical testing. Allele origin: germline.
Comment: This sequence change replaces glycine with serine at codon 449 of the EEF1A2 protein (p.Gly449Ser). The glycine residue is highly conserved and there is a small physicochemical difference between glycine and serine. The frequency data for this variant in the population databases is considered unreliable, as metrics indicate insufficient coverage at this position in the ExAC database. This variant has not been reported in the literature in individuals with EEF1A2-related conditions. Algorithms developed to predict the effect of missense changes on protein structure and function are either unavailable or do not agree on the potential impact of this missense change (SIFT: "Deleterious"; PolyPhen-2: "Benign"; Align-GVGD: "Class C0"). In summary, the available evidence is currently insufficient to determine the role of this variant in disease. Therefore, it has been classified as a Variant of Uncertain Significance.